The following is an entry in ClinVar:

NM_015425.6(POLR1A):c.1448C>A (p.Ala483Glu)

Gene: POLR1A (RNA polymerase I subunit A; minus strand). Cytogenetic location: 2p11.2.
Variant type: single nucleotide variant.
Coding change: c.1448C>A on transcript NM_015425.6 (MANE Select); coding-DNA position 1448, C replaced by A.
Protein change: p.Ala483Glu; replaces alanine 483 with glutamic acid.
Molecular consequence: missense variant.
Genome position (GRCh38, 1-based): chr2:86,075,193, G>T on the plus strand (C>A on the coding strand, the complement: POLR1A is on the minus strand). VCF-style: chr2-86075193-G-T. GRCh37 (hg19) VCF-style: chr2-86302316-G-T.
Other names: short protein forms A483E.
Identifiers: ClinVar variation 3422704 (VCV003422704.1).

ClinVar aggregate classification (germline): Uncertain significance (1 of 4 stars; one submission).

Conditions:
Inborn genetic diseases. Identifiers: MedGen C0950123, MeSH D030342.

Submission:

Ambry Genetics
Classification: Uncertain significance for Inborn genetic diseases. Last evaluated: 2024-08-21. Review status: criteria provided, single submitter. Criteria: Ambry Variant Classification Scheme 2023. Collection method: clinical testing. Allele origin: germline.
Comment: The c.1448C>A (p.A483E) alteration is located in exon 12 (coding exon 12) of the POLR1A gene. This alteration results from a C to A substitution at nucleotide position 1448, causing the alanine (A) at amino acid position 483 to be replaced by a glutamic acid (E). This variant was not reported in population-based cohorts in the Genome Aggregation Database (gnomAD). This amino acid position is highly conserved in available vertebrate species. This missense alteration is located in a region that has a low rate of benign missense variation (Lek, 2016; Firth, 2009). This alteration is predicted to be deleterious by in silico analysis. Based on insufficient or conflicting evidence, the clinical significance of this alteration remains unclear.